The following is an entry in ClinVar:

ClinVar aggregate classification (germline): Likely benign (1 of 4 stars; one submission).

Conditions:
Progressive sclerosing poliodystrophy (MTDPS4A). Also called: Alpers-Huttenlocher Syndrome (AHS); Alpers Syndrome; ALPERS PROGRESSIVE INFANTILE POLIODYSTROPHY; Mitochondrial DNA depletion syndrome 4A (Alpers type); ALPERS DIFFUSE DEGENERATION OF CEREBRAL GRAY MATTER WITH HEPATIC CIRRHOSIS; Alpers-Huttenlocher Syndrome. Identifiers: Orphanet 726, MedGen C0205710, MONDO:0008758, OMIM 203700.

Allele frequency attached by ClinVar (database versions not stated): gnomAD exomes below 0.00001; TOPMed below 0.00001; ExAC 0.00001.

Submission:

Wong Mito Lab, Molecular and Human Genetics, Baylor College of Medicine
Classification: Likely benign for Progressive sclerosing poliodystrophy. Last evaluated: 2018-10-01. Review status: criteria provided, single submitter. Criteria: ACMG Guidelines, 2015. Collection method: clinical testing. Allele origin: germline.
Comment: The NM_002693.2:c.2071-43C>T (NP_002684.1:p.=) [GRCH38: NC_000015.10:g.89323944G>A] variant in POLG gene is interpretated to be a Likely Benign based on ACMG guidelines (PMID: 25741868). This variant meets the following evidence codes reported in the ACMG-guideline. BP4:Computational evidence/predictors indicate no impact on the POLG structure, function, or protein-protein interaction. BP6:Reputable source(s) without shared data suggest the variant is benign. Based on the evidence criteria codes applied, the variant is suggested to be Likely Benign.

NM_002693.3(POLG):c.2071-43C>T

Gene: POLG (DNA polymerase gamma, catalytic subunit; minus strand). Cytogenetic location: 15q26.1.
Variant type: single nucleotide variant.
Coding change: c.2071-43C>T on transcript NM_002693.3 (MANE Select); 43 bases into the intron before coding-DNA position 2071, C replaced by T.
Molecular consequence: intron variant.
Genome position (GRCh38, 1-based): chr15:89,323,944, G>A on the plus strand (C>T on the coding strand, the complement: POLG is on the minus strand). VCF-style: chr15-89323944-G-A. GRCh37 (hg19) VCF-style: chr15-89867175-G-A.
Other names: c.2071-43C>T (NM_001126131.2).
Identifiers: ClinVar variation 619462 (VCV000619462.1), dbSNP rs753372873, ClinGen allele CA7724596.